The following is an entry in ClinVar:

ClinVar aggregate classification (germline): Likely pathogenic (1 of 4 stars; one submission).

Conditions:
Developmental and epileptic encephalopathy, 21 (DEE21). Also called: Early infantile epileptic encephalopathy 21. Identifiers: Orphanet 442835, MedGen C4014430, MONDO:0014360, OMIM 615833.

Submission:

Laboratorio de Genetica e Diagnostico Molecular, Hospital Israelita Albert Einstein
Classification: Likely pathogenic for Developmental and epileptic encephalopathy, 21. Last evaluated: 2022-05-18. Review status: criteria provided, single submitter. Criteria: ACMG Guidelines, 2015. Collection method: clinical testing. Allele origin: germline. Affected: yes. Observed: 1 variant allele.
Comment: ACMG classification criteria: PVS1 strong, PM2 moderated

NM_015509.4(NECAP1):c.38_39dup (p.Lys14Ter)

Genes: NECAP1 (NECAP endocytosis associated 1; plus strand), LOC126861440 (MED14-independent group 3 enhancer GRCh37_chr12:8234132-8235331; plus strand). Cytogenetic location: 12p13.31.
Variant type: Microsatellite.
Coding change: c.38_39dup on transcript NM_015509.4 (MANE Select); coding-DNA positions 38 to 39, 2 bases duplicated (TG; older notation c.38_39dupTG).
Protein change: p.Lys14Ter; replaces lysine 14 with a stop codon.
Molecular consequence: nonsense. On other transcripts: non-coding transcript variant (1).
Genome position (GRCh38, 1-based): chr12:8,082,326-8,082,327, TG duplicated; duplicating any 2 consecutive bases within chr12:8,082,320-8,082,327 gives the same sequence; the c. name uses the placement nearest the transcript's 3' end. VCF-style (leftmost placement, unchanged base first): chr12-8082319-C-CTG. GRCh37 (hg19) VCF-style: chr12-8234915-C-CTG.
Other names: short protein forms K14*.
Identifiers: ClinVar variation 2431545 (VCV002431545.1), dbSNP rs2498155401, ClinGen allele CA2580615132.